The following is an entry in ClinVar:

ClinVar aggregate classification (germline): Pathogenic. Review status: criteria provided, single submitter (1 of 4 stars). 3 submissions from 3 submitters: Pathogenic (1). 2 of the submissions do not count toward it. Last evaluated 2024-07-01.

Conditions:
46,XY sex reversal 2. Also called: NR0B1-Related 46,XY CGD; NR0B1-related 46,XY complete gonadal dysgenesis; 46,XY SEX REVERSAL, DAX1-RELATED; 46XY sex reversal 2, dosage-sensitive; Dosage-sensitive sex reversal. Identifiers: MedGen C1848296, MONDO:0010226, OMIM 300018.
Congenital adrenal hypoplasia, X-linked (AHC). Also called: Isolated X-Linked Adrenal Hypoplasia Congenita; ADRENAL HYPOPLASIA, CONGENITAL, WITH HYPOGONADOTROPIC HYPOGONADISM; X-linked AHC; X-Linked Adrenal Hypoplasia Congenita. Identifiers: Orphanet 95702, MedGen C0342482, MONDO:0010264, OMIM 300200. Disease mechanism: loss of function.

Submissions (3):

Labcorp Genetics (formerly Invitae), Labcorp
Classification: Pathogenic for Congenital adrenal hypoplasia, X-linked; 46,XY sex reversal 2. Last evaluated: 2024-07-01. Review status: criteria provided, single submitter. Criteria: Invitae Variant Classification Sherloc (09022015). Collection method: clinical testing. Allele origin: germline.
Comment: This sequence change creates a premature translational stop signal (p.Leu411Valfs*6) in the NR0B1 gene. While this is not anticipated to result in nonsense mediated decay, it is expected to disrupt the last 60 amino acid(s) of the NR0B1 protein. This variant is not present in population databases (gnomAD no frequency). This premature translational stop signal has been observed in individual(s) with clinical features of X-linked congenital adrenal hypoplasia (PMID: 10361383, 31141483, 34193132, 34243750). In at least one individual the variant was observed to be de novo. This variant is also known as 1464 delACTC. ClinVar contains an entry for this variant (Variation ID: 10967). For these reasons, this variant has been classified as Pathogenic.

Department of Pediatric Endocrinology and Inherited Metabolic Diseases, Children's Hospital of Fudan University
Classification: Pathogenic for Congenital adrenal hypoplasia, X-linked. Last evaluated: 2021-05-18. Review status: no assertion criteria provided. Collection method: clinical testing. Allele origin: germline. Inheritance: X-linked inheritance. Affected: yes. Observed: 1 variant allele, 1 homozygote. Not counted in ClinVar's aggregate classification.
Comment: ADRENAL HYPOPLASIA, CONGENITAL with tiny adrenal glands and mineralocorticoid deficiency

OMIM
Classification: Pathogenic for ADRENAL HYPOPLASIA, CONGENITAL. Last evaluated: 1999-05-01. Review status: no assertion criteria provided. Collection method: literature only. Allele origin: germline. Not counted in ClinVar's aggregate classification.

Literature cited by the submitters: PubMed 10361383 (cited by Labcorp Genetics (formerly Invitae), Labcorp and OMIM); PubMed 31141483 (cited by Labcorp Genetics (formerly Invitae), Labcorp); PubMed 34193132 (cited by Labcorp Genetics (formerly Invitae), Labcorp); PubMed 34243750 (cited by Labcorp Genetics (formerly Invitae), Labcorp).

NM_000475.5(NR0B1):c.1231_1234del (p.Leu411fs)

Gene: NR0B1 (nuclear receptor subfamily 0 group B member 1; minus strand). Cytogenetic location: Xp21.2.
Variant type: Deletion.
Coding change: c.1231_1234del on transcript NM_000475.5 (MANE Select); coding-DNA positions 1231 to 1234, 4 bases deleted (CTCA; older notation c.1231_1234delCTCA).
Protein change: p.Leu411fs; shifts the reading frame from leucine 411.
Molecular consequence: frameshift variant.
Genome position (GRCh38, 1-based): chrX:30,304,758-30,304,761, TGAG deleted on the plus strand (CTCA on the coding strand, the reverse complement: NR0B1 is on the minus strand); deleting any 4 consecutive bases within chrX:30,304,758-30,304,762 gives the same sequence; the c. name uses the placement nearest the transcript's 3' end. VCF-style (leftmost placement, unchanged base first): chrX-30304757-CTGAG-C. GRCh37 (hg19) VCF-style: chrX-30322874-CTGAG-C.
Other names: c.1231_1234delCTCA (NM_000475.5); short protein forms L411fs.
Identifiers: ClinVar variation 10967 (VCV000010967.8), dbSNP rs1569268070, ClinGen allele CA891843969.
Genomic context (GRCh38, chrX:30,304,757, plus strand): 5'-GTACTATTAAGTTCGATGAATCTGTCATGGGGCCCTTGGTGCGTCATCCTGGTGTGTTCA[CTGAG>C]TATTTGCTGAGTTCCCCACTGGAGTCCCTGAATGTACTTCACGCACTGCAGGCCCGGCAC-3'